The following is an entry in ClinVar:

NM_014324.6(AMACR):c.899T>C (p.Phe300Ser)

Genes: AMACR (alpha-methylacyl-CoA racemase; minus strand), C1QTNF3-AMACR (C1QTNF3-AMACR readthrough (NMD candidate); minus strand). Cytogenetic location: 5p13.2.
Variant type: single nucleotide variant.
Coding change: c.899T>C on transcript NM_014324.6 (MANE Select); coding-DNA position 899, T replaced by C.
Protein change: p.Phe300Ser; replaces phenylalanine 300 with serine.
Molecular consequence: missense variant. On other transcripts: non-coding transcript variant (1), 3 prime UTR variant (1).
Genome position (GRCh38, 1-based): chr5:33,989,343, A>G on the plus strand (T>C on the coding strand, the complement: AMACR is on the minus strand). VCF-style: chr5-33989343-A-G. GRCh37 (hg19) VCF-style: chr5-33989448-A-G.
Other names: c.899T>C, p.Phe300Ser (NM_001167595.2); c.*141T>C (NM_203382.3); short protein forms F300S.
Identifiers: ClinVar variation 3055324 (VCV003055324.2), dbSNP rs2478952646, ClinGen allele CA359399067.

ClinVar aggregate classification (germline): Uncertain significance (0 of 4 stars; one submission).

Conditions:
AMACR-related disorder. Also called: AMACR-related condition; AMACR-Related Disorders.

Allele frequency attached by ClinVar (database versions not stated): gnomAD exomes below 0.00001.
gnomAD v4.1: 1 of 1,614,128 alleles (0.000062%); highest among the groups gnomAD compares: South Asian, 0.0011%; no homozygotes.

Submission:

PreventionGenetics, part of Exact Sciences
Classification: Uncertain significance for AMACR-related condition. Last evaluated: 2023-10-27. Review status: no assertion criteria provided. Collection method: clinical testing. Allele origin: germline.
Comment: The AMACR c.899T>C variant is predicted to result in the amino acid substitution p.Phe300Ser. To our knowledge, this variant has not been reported in the literature or in a large population database, indicating this variant is rare. At this time, the clinical significance of this variant is uncertain due to the absence of conclusive functional and genetic evidence.